The following is an entry in ClinVar:

ClinVar aggregate classification (germline): Uncertain significance. Review status: criteria provided, multiple submitters, no conflicts (2 of 4 stars). 2 submissions from 2 submitters: Uncertain significance (2). Last evaluated 2023-11-21.

Conditions:
Chédiak-Higashi syndrome (CHS). Also called: Chediak-Higashi Syndrome. Identifiers: Orphanet 167, MedGen C0007965, MONDO:0008963, OMIM 214500.

Allele frequency attached by ClinVar (database versions not stated): ExAC 0.00001; gnomAD exomes 0.00001; TOPMed 0.00006; ESP Exome Variant Server 0.00008; gnomAD 0.00009.
gnomAD v4.1: 29 of 1,613,982 alleles (0.0018%); highest among the groups gnomAD compares: African/African-American, 0.032%; no homozygotes.

Submissions (2):

Mayo Clinic Laboratories, Mayo Clinic
Classification: Uncertain significance. Last evaluated: 2023-11-21. Review status: criteria provided, single submitter. Criteria: ACMG Guidelines, 2015. Collection method: clinical testing. Allele origin: germline. Observed: 1 variant allele.
Comment: BP4

Labcorp Genetics (formerly Invitae), Labcorp
Classification: Uncertain significance for Chédiak-Higashi syndrome. Last evaluated: 2022-07-19. Review status: criteria provided, single submitter. Criteria: Invitae Variant Classification Sherloc (09022015). Collection method: clinical testing. Allele origin: germline.
Comment: This sequence change replaces lysine, which is basic and polar, with glutamic acid, which is acidic and polar, at codon 600 of the LYST protein (p.Lys600Glu). This variant is present in population databases (rs370683101, gnomAD 0.03%). This variant has not been reported in the literature in individuals affected with LYST-related conditions. ClinVar contains an entry for this variant (Variation ID: 836650). Algorithms developed to predict the effect of missense changes on protein structure and function (SIFT, PolyPhen-2, Align-GVGD) all suggest that this variant is likely to be tolerated. In summary, the available evidence is currently insufficient to determine the role of this variant in disease. Therefore, it has been classified as a Variant of Uncertain Significance.

NM_000081.4(LYST):c.1798A>G (p.Lys600Glu)

Gene: LYST (lysosomal trafficking regulator; minus strand). Cytogenetic location: 1q42.3.
Variant type: single nucleotide variant.
Coding change: c.1798A>G on transcript NM_000081.4 (MANE Select); coding-DNA position 1798, A replaced by G.
Protein change: p.Lys600Glu; replaces lysine 600 with glutamic acid.
Molecular consequence: missense variant.
Genome position (GRCh38, 1-based): chr1:235,809,020, T>C on the plus strand (A>G on the coding strand, the complement: LYST is on the minus strand). VCF-style: chr1-235809020-T-C. GRCh37 (hg19) VCF-style: chr1-235972320-T-C.
Other names: p.Lys600Glu; c.1798A>G, p.Lys600Glu (NM_001301365.1); short protein forms K600E.
Identifiers: ClinVar variation 836650 (VCV000836650.8), dbSNP rs370683101, ClinGen allele CA1467399.